The following is an entry in ClinVar:

NM_001165963.4(SCN1A):c.984_986del (p.Glu328_Gly329delinsAsp)

Gene: SCN1A (sodium voltage-gated channel alpha subunit 1; minus strand). Cytogenetic location: 2q24.3.
Variant type: Deletion.
Coding change: c.984_986del on transcript NM_001165963.4 (MANE Select); coding-DNA positions 984 to 986, 3 bases deleted (GGG; older notation c.984_986delGGG).
Protein change: p.Glu328_Gly329delinsAsp.
Molecular consequence: inframe indel. On other transcripts: 5 prime UTR variant (1), non-coding transcript variant (1).
Genome position (GRCh38, 1-based): chr2:166,048,928-166,048,930, CCC deleted on the plus strand (GGG on the coding strand, the reverse complement: SCN1A is on the minus strand). VCF-style (leftmost placement, unchanged base first): chr2-166048927-ACCC-A. GRCh37 (hg19) VCF-style: chr2-166905437-ACCC-A.
Other names: c.984_986del, p.Glu328_Gly329delinsAsp (NM_001165964.3, NM_001202435.3, NM_001353948.2 and 10 more transcripts); c.-1442_-1440del (NM_001353961.2).
Identifiers: ClinVar variation 1067278 (VCV001067278.10), dbSNP rs2105874408, ClinGen allele CA2499215206.

ClinVar aggregate classification (germline): Pathogenic (1 of 4 stars; one submission).

Conditions:
Early-infantile DEE. Also called: Ohtahara syndrome; Early infantile epileptic encephalopathy with suppression bursts; Early infantile epileptic encephalopathy. Identifiers: Orphanet 1934, MedGen C0393706, MONDO:0800491.

Submission:

Labcorp Genetics (formerly Invitae), Labcorp
Classification: Pathogenic for Early-infantile DEE. Last evaluated: 2023-07-14. Review status: criteria provided, single submitter. Criteria: Invitae Variant Classification Sherloc (09022015). Collection method: clinical testing. Allele origin: germline.
Comment: This variant disrupts a region of the SCN1A protein in which other variant(s) (p.Gly329Ala) have been determined to be pathogenic (PMID: 28084635). This suggests that this is a clinically significant region of the protein, and that variants that disrupt it are likely to be disease-causing. For these reasons, this variant has been classified as Pathogenic. ClinVar contains an entry for this variant (Variation ID: 1067278). This variant has been observed in individual(s) with clinical features of SCN1A-related conditions (Invitae). In at least one individual the variant was observed to be de novo. This variant is not present in population databases (gnomAD no frequency). This variant, c.984_986del, is a complex sequence change that results in the deletion of 2 and insertion of 1 amino acid(s) in the SCN1A protein (p.Glu328_Gly329delinsAsp).

Literature cited by the submitters: PubMed 28084635.